The following is an entry in ClinVar:

NM_199420.4(POLQ):c.1619T>G (p.Val540Gly)

Gene: POLQ (DNA polymerase theta; minus strand). Cytogenetic location: 3q13.33.
Variant type: single nucleotide variant.
Coding change: c.1619T>G on transcript NM_199420.4 (MANE Select); coding-DNA position 1619, T replaced by G.
Protein change: p.Val540Gly; replaces valine 540 with glycine.
Molecular consequence: missense variant.
Genome position (GRCh38, 1-based): chr3:121,510,236, A>C on the plus strand (T>G on the coding strand, the complement: POLQ is on the minus strand). VCF-style: chr3-121510236-A-C. GRCh37 (hg19) VCF-style: chr3-121229083-A-C.
Other names: short protein forms V540G.
Identifiers: ClinVar variation 2563770 (VCV002563770.2), dbSNP rs2048243860, ClinGen allele CA354115316.

ClinVar aggregate classification (germline): Uncertain significance (1 of 4 stars; one submission).

Allele frequency attached by ClinVar (database versions not stated): TOPMed below 0.00001; gnomAD 0.00001.
gnomAD v4.1: 1 of 1,608,000 alleles (0.000062%); highest among the groups gnomAD compares: African/African-American, 0.0013%; no homozygotes.

Submission:

Ambry Genetics
Classification: Uncertain significance. Last evaluated: 2023-03-21. Review status: criteria provided, single submitter. Criteria: Ambry Variant Classification Scheme 2023. Collection method: clinical testing. Allele origin: germline.
Comment: The p.V540G variant (also known as c.1619T>G), located in coding exon 11 of the POLQ gene, results from a T to G substitution at nucleotide position 1619. The valine at codon 540 is replaced by glycine, an amino acid with dissimilar properties. This amino acid position is conserved. In addition, the in silico prediction for this alteration is inconclusive. Since supporting evidence is limited at this time, the clinical significance of this alteration remains unclear.